The following is an entry in ClinVar:

ClinVar aggregate classification (germline): Uncertain significance. Review status: criteria provided, multiple submitters, no conflicts (2 of 4 stars). 2 submissions from 2 submitters: Uncertain significance (2). Last evaluated 2024-03-07.

Conditions:
Dyskeratosis congenita, autosomal dominant 2. Identifiers: MedGen C3151443, MONDO:0013521, OMIM 613989.
Idiopathic Pulmonary Fibrosis. Also called: Idiopathic fibrosing alveolitis, chronic form; idiopathic fibrosing alveolitis. Identifiers: Orphanet 2032, MedGen C1800706, MeSH D054990, MONDO:0800504.
Dyskeratosis congenita. Identifiers: Orphanet 1775, MedGen C0265965, MONDO:0015780.

Submissions (2):

Ambry Genetics
Classification: Uncertain significance for Dyskeratosis congenita. Last evaluated: 2024-03-07. Review status: criteria provided, single submitter. Criteria: Ambry Variant Classification Scheme 2023. Collection method: clinical testing. Allele origin: germline.
Comment: The p.C271R variant (also known as c.811T>C), located in coding exon 2 of the TERT gene, results from a T to C substitution at nucleotide position 811. The cysteine at codon 271 is replaced by arginine, an amino acid with highly dissimilar properties. This amino acid position is conserved. In addition, this alteration is predicted to be tolerated by in silico analysis. Based on the available evidence, the clinical significance of this alteration remains unclear.

Labcorp Genetics (formerly Invitae), Labcorp
Classification: Uncertain significance for Dyskeratosis congenita, autosomal dominant 2; Idiopathic Pulmonary Fibrosis. Last evaluated: 2021-08-27. Review status: criteria provided, single submitter. Criteria: Invitae Variant Classification Sherloc (09022015). Collection method: clinical testing. Allele origin: germline.
Comment: This sequence change replaces cysteine with arginine at codon 271 of the TERT protein (p.Cys271Arg). The cysteine residue is weakly conserved and there is a large physicochemical difference between cysteine and arginine. This variant is not present in population databases (ExAC no frequency). This variant has not been reported in the literature in individuals affected with TERT-related conditions. Advanced modeling of protein sequence and biophysical properties (such as structural, functional, and spatial information, amino acid conservation, physicochemical variation, residue mobility, and thermodynamic stability) performed at Invitae indicates that this missense variant is not expected to disrupt TERT protein function. In summary, the available evidence is currently insufficient to determine the role of this variant in disease. Therefore, it has been classified as a Variant of Uncertain Significance.

NM_198253.3(TERT):c.811T>C (p.Cys271Arg)

Gene: TERT (telomerase reverse transcriptase; minus strand). Cytogenetic location: 5p15.33.
Variant type: single nucleotide variant.
Coding change: c.811T>C on transcript NM_198253.3 (MANE Select); coding-DNA position 811, T replaced by C.
Protein change: p.Cys271Arg; replaces cysteine 271 with arginine.
Molecular consequence: missense variant. On other transcripts: non-coding transcript variant (2).
Genome position (GRCh38, 1-based): chr5:1,294,075, A>G on the plus strand (T>C on the coding strand, the complement: TERT is on the minus strand). VCF-style: chr5-1294075-A-G. GRCh37 (hg19) VCF-style: chr5-1294190-A-G.
Other names: c.811T>C (NM_198253.2); c.811T>C, p.Cys271Arg (NM_001193376.3); short protein forms C271R.
Identifiers: ClinVar variation 1054304 (VCV001054304.7), dbSNP rs1483728464, ClinGen allele CA359056688.